The following is an entry in ClinVar:

NM_001291303.3(FAT4):c.13827C>T (p.Ser4609=)

Gene: FAT4 (FAT atypical cadherin 4; plus strand). Cytogenetic location: 4q28.1.
Variant type: single nucleotide variant.
Coding change: c.13827C>T on transcript NM_001291303.3 (MANE Select); coding-DNA position 13827, C replaced by T.
Protein change: p.Ser4609=; no amino-acid change (serine 4609 retained).
Molecular consequence: synonymous variant.
Genome position (GRCh38, 1-based): chr4:125,490,643, C>T. VCF-style: chr4-125490643-C-T. GRCh37 (hg19) VCF-style: chr4-126411798-C-T.
Other names: c.13824C>T, p.Ser4608= (NM_001291285.3); c.13821C>T, p.Ser4607= (NM_024582.6).
Identifiers: ClinVar variation 1614779 (VCV001614779.32), dbSNP rs767553555, ClinGen allele CA3074441.

ClinVar aggregate classification (germline): Likely benign. Review status: criteria provided, multiple submitters, no conflicts (2 of 4 stars). 2 submissions from 2 submitters: Likely benign (2). Last evaluated 2025-07-31.

gnomAD v4.1: 89 of 1,614,020 alleles (0.0055%); highest among the groups gnomAD compares: Admixed American, 0.013%; no homozygotes.

Submissions (2):

Labcorp Genetics (formerly Invitae), Labcorp
Classification: Likely benign. Last evaluated: 2025-07-31. Review status: criteria provided, single submitter. Criteria: Invitae Variant Classification Sherloc (09022015). Collection method: clinical testing. Allele origin: germline.

CeGaT Center for Human Genetics Tuebingen
Classification: Likely benign. Last evaluated: 2023-02-01. Review status: criteria provided, single submitter. Criteria: CeGaT Center For Human Genetics Tuebingen Variant Classification Criteria Version 2. Collection method: clinical testing. Allele origin: germline. Affected: yes. Observed: 1 variant allele.
Comment: FAT4: BP4, BP7